The following is an entry in ClinVar:

NM_058216.3(RAD51C):c.779G>C (p.Arg260Pro)

Gene: RAD51C (RAD51 paralog C; plus strand). Cytogenetic location: 17q22.
Variant type: single nucleotide variant.
Coding change: c.779G>C on transcript NM_058216.3 (MANE Select); coding-DNA position 779, G replaced by C.
Protein change: p.Arg260Pro; replaces arginine 260 with proline.
Molecular consequence: missense variant. On other transcripts: non-coding transcript variant (1).
Genome position (GRCh38, 1-based): chr17:58,709,932, G>C. VCF-style: chr17-58709932-G-C. GRCh37 (hg19) VCF-style: chr17-56787293-G-C.
Other names: p.R260P:CGG>CCG; short protein forms R260P.
Identifiers: ClinVar variation 182829 (VCV000182829.27), dbSNP rs730881926, ClinGen allele CA299867.

ClinVar aggregate classification (germline): Uncertain significance. Review status: criteria provided, multiple submitters, no conflicts (2 of 4 stars). 6 submissions from 6 submitters: Uncertain significance (6). Last evaluated 2026-01-13.

Conditions:
Hereditary cancer-predisposing syndrome. Also called: Hereditary Cancer Syndrome; Tumor predisposition; Neoplastic Syndromes, Hereditary; Hereditary neoplastic syndrome. Identifiers: Orphanet 140162, MedGen C0027672, MeSH D009386, MONDO:0015356.
Fanconi anemia complementation group O. Also called: RAD51C-Related Fanconi Anemia. Identifiers: Orphanet 84, MedGen C3150653, MONDO:0013248, OMIM 613390.
Breast-ovarian cancer, familial, susceptibility to, 3. Also called: RAD51C-Related Breast/Ovarian Cancer. Identifiers: Orphanet 145, MedGen C3150659, MONDO:0013253, OMIM 613399.

gnomAD v4.1: 5 of 1,612,358 alleles (0.00031%); highest among the groups gnomAD compares: Non-Finnish European, 0.00034%; no homozygotes.

Submissions (6):

Labcorp Genetics (formerly Invitae), Labcorp
Classification: Uncertain significance for Fanconi anemia complementation group O. Last evaluated: 2026-01-13. Review status: criteria provided, single submitter. Criteria: Invitae Variant Classification Sherloc (09022015). Collection method: clinical testing. Allele origin: germline.
Comment: This sequence change replaces arginine, which is basic and polar, with proline, which is neutral and non-polar, at codon 260 of the RAD51C protein (p.Arg260Pro). This variant is present in population databases (rs730881926, gnomAD 0.003%). This missense change has been observed in individual(s) with breast cancer (PMID: 25186627). ClinVar contains an entry for this variant (Variation ID: 182829). Invitae Evidence Modeling of protein sequence and biophysical properties (such as structural, functional, and spatial information, amino acid conservation, physicochemical variation, residue mobility, and thermodynamic stability) indicates that this missense variant is expected to disrupt RAD51C protein function with a positive predictive value of 80%. In summary, the available evidence is currently insufficient to determine the role of this variant in disease. Therefore, it has been classified as a Variant of Uncertain Significance.

Ambry Genetics
Classification: Uncertain significance for Hereditary cancer-predisposing syndrome. Last evaluated: 2025-02-19. Review status: criteria provided, single submitter. Criteria: Ambry Variant Classification Scheme 2023. Collection method: clinical testing. Allele origin: germline.
Comment: The p.R260P variant (also known as c.779G>C), located in coding exon 5 of the RAD51C gene, results from a G to C substitution at nucleotide position 779. The arginine at codon 260 is replaced by proline, an amino acid with dissimilar properties. This amino acid position is highly conserved in available vertebrate species. In addition, this alteration is predicted to be deleterious by in silico analysis. Since supporting evidence is limited at this time, the clinical significance of this alteration remains unclear.

Color Diagnostics, LLC DBA Color Health
Classification: Uncertain significance for Hereditary cancer-predisposing syndrome. Last evaluated: 2025-01-13. Review status: criteria provided, single submitter. Criteria: ACMG Guidelines, 2015. Collection method: clinical testing. Allele origin: germline.
Comment: This missense variant replaces arginine with proline at codon 260 of the RAD51C protein. Computational prediction is inconclusive regarding the impact of this variant on protein structure and function. To our knowledge, functional studies have not been reported for this variant. This variant has not been reported in individuals affected with hereditary cancer in the literature. This variant has been identified in 3/251428 chromosomes in the general population by the Genome Aggregation Database (gnomAD). The available evidence is insufficient to determine the role of this variant in disease conclusively. Therefore, this variant is classified as a Variant of Uncertain Significance.

GeneDx
Classification: Uncertain significance. Last evaluated: 2024-04-23. Review status: criteria provided, single submitter. Criteria: GeneDx Variant Classification Process June 2021. Collection method: clinical testing. Allele origin: germline. Affected: yes.
Comment: Not observed at significant frequency in large population cohorts (gnomAD); In silico analysis supports that this missense variant has a deleterious effect on protein structure/function; Observed in an individual with a personal history of breast cancer (PMID: 25186627); This variant is associated with the following publications: (PMID: 14704354, 25186627)

Baylor Genetics
Classification: Uncertain significance for Breast-ovarian cancer, familial, susceptibility to, 3. Last evaluated: 2024-01-22. Review status: criteria provided, single submitter. Criteria: ACMG Guidelines, 2015. Collection method: clinical testing. Allele origin: unknown.

Quest Diagnostics Nichols Institute San Juan Capistrano
Classification: Uncertain significance. Last evaluated: 2023-04-12. Review status: criteria provided, single submitter. Criteria: Quest Diagnostics criteria. Collection method: clinical testing. Allele origin: unknown.
Comment: The frequency of this variant in the general population, 0.000026 (3/113720 chromosomes), is uninformative in assessment of its pathogenicity. In the published literature, the variant has been reported in an individual with breast cancer (PMID: 25186627 (2015)). Analysis of this variant using bioinformatics tools for the prediction of the effect of amino acid changes on protein structure and function yielded predictions that this variant is damaging. Based on the available information, we are unable to determine the clinical significance of this variant.

Literature cited by the submitters: PubMed 25186627 (cited by 3 submitters).